The following is an entry in ClinVar:

ClinVar aggregate classification (germline): Uncertain significance (1 of 4 stars; one submission).

Conditions:
Holoprosencephaly 9 (HPE9). Also called: PITUITARY ANOMALIES WITH HOLOPROSENCEPHALY-LIKE FEATURES; HOLOPROSENCEPHALY WITH MICROPHTHALMIA AND FIRST BRANCHIAL ARCH ANOMALIES. Identifiers: Orphanet 2162, MedGen C1835819, MONDO:0012563, OMIM 610829.
Postaxial polydactyly-anterior pituitary anomalies-facial dysmorphism syndrome. Also called: Culler-Jones syndrome. Identifiers: Orphanet 420584, MedGen C4014479, MONDO:0014369, OMIM 615849.

Submission:

Labcorp Genetics (formerly Invitae), Labcorp
Classification: Uncertain significance for Postaxial polydactyly-anterior pituitary anomalies-facial dysmorphism syndrome; Holoprosencephaly 9. Last evaluated: 2024-07-27. Review status: criteria provided, single submitter. Criteria: Invitae Variant Classification Sherloc (09022015). Collection method: clinical testing. Allele origin: germline.
Comment: This sequence change replaces proline, which is neutral and non-polar, with serine, which is neutral and polar, at codon 386 of the GLI2 protein (p.Pro386Ser). Information on the frequency of this variant in the gnomAD database is not available, as this variant may be reported differently in the database. This variant has not been reported in the literature in individuals affected with GLI2-related conditions. Experimental studies and prediction algorithms are not available or were not evaluated, and the functional significance of this variant is currently unknown. In summary, the available evidence is currently insufficient to determine the role of this variant in disease. Therefore, it has been classified as a Variant of Uncertain Significance.

NM_001374353.1(GLI2):c.1155_1156delinsTT (p.Pro386Ser)

Gene: GLI2 (GLI family zinc finger 2; plus strand). Cytogenetic location: 2q14.2.
Variant type: Indel.
Coding change: c.1155_1156delinsTT on transcript NM_001374353.1 (MANE Select); coding-DNA positions 1155 to 1156, GC replaced by TT.
Protein change: p.Pro386Ser; replaces proline 386 with serine.
Molecular consequence: missense variant.
Genome position (GRCh38, 1-based): chr2:120,972,036-120,972,037, GC replaced by TT. VCF-style: chr2-120972036-GC-TT. GRCh37 (hg19) VCF-style: chr2-121729612-GC-TT.
Other names: c.1155_1156delinsTT, p.Pro386Ser (NM_001371271.1, NM_005270.5); c.780_781delinsTT, p.Pro261Ser (NM_001374354.1); short protein forms P261S, P386S.
Identifiers: ClinVar variation 3762152 (VCV003762152.2).